The following is an entry in ClinVar:

NM_000199.5(SGSH):c.1304G>A (p.Arg435His)

Gene: SGSH (N-sulfoglucosamine sulfohydrolase; minus strand). Cytogenetic location: 17q25.3.
Variant type: single nucleotide variant.
Coding change: c.1304G>A on transcript NM_000199.5 (MANE Select); coding-DNA position 1304, G replaced by A.
Protein change: p.Arg435His; replaces arginine 435 with histidine.
Molecular consequence: missense variant. On other transcripts: 3 prime UTR variant (2), non-coding transcript variant (1).
Genome position (GRCh38, 1-based): chr17:80,210,657, C>T on the plus strand (G>A on the coding strand, the complement: SGSH is on the minus strand). VCF-style: chr17-80210657-C-T. GRCh37 (hg19) VCF-style: chr17-78184456-C-T.
Other names: c.1304G>A (NM_000199.3); c.*391G>A (NM_001352921.3); c.*354G>A (NM_001352922.2); short protein forms R435H.
Identifiers: ClinVar variation 1412033 (VCV001412033.4), dbSNP rs370528435, ClinGen allele CA8817618.

ClinVar aggregate classification (germline): Uncertain significance. Review status: criteria provided, multiple submitters, no conflicts (2 of 4 stars). 2 submissions from 2 submitters: Uncertain significance (2). Last evaluated 2024-12-05.

Conditions:
Mucopolysaccharidosis, MPS-III-A (MPS3A). Also called: Mucopolysaccharidosis, type IIIA; mucopolysaccharidosis type 3A; MPS IIIA (Sanfilippo Syndrome Type A); HEPARAN SULFATE SULFATASE DEFICIENCY; Mucopolysaccharidosis type IIIA (Sanfilippo A); SANFILIPPO SYNDROME A. Identifiers: Orphanet 581, Orphanet 79269, MedGen C0086647, MONDO:0009655, OMIM 252900.
Inborn genetic diseases. Identifiers: MedGen C0950123, MeSH D030342.

Allele frequency attached by ClinVar (database versions not stated): 1000 Genomes Project 0.00020; gnomAD 0.00001; ExAC 0.00003; ESP Exome Variant Server 0.00008; 1000 Genomes Project 30x 0.00031; TOPMed 0.00001.
gnomAD v4.1: 37 of 1,614,008 alleles (0.0023%); highest among the groups gnomAD compares: Middle Eastern, 0.016%; no homozygotes.

Submissions (2):

Ambry Genetics
Classification: Uncertain significance for Inborn genetic diseases. Last evaluated: 2024-12-05. Review status: criteria provided, single submitter. Criteria: Ambry Variant Classification Scheme 2023. Collection method: clinical testing. Allele origin: germline.

Labcorp Genetics (formerly Invitae), Labcorp
Classification: Uncertain significance for Mucopolysaccharidosis, MPS-III-A. Last evaluated: 2022-08-22. Review status: criteria provided, single submitter. Criteria: Invitae Variant Classification Sherloc (09022015). Collection method: clinical testing. Allele origin: germline.
Comment: This sequence change replaces arginine, which is basic and polar, with histidine, which is basic and polar, at codon 435 of the SGSH protein (p.Arg435His). This variant is present in population databases (rs370528435, gnomAD 0.007%). This variant has not been reported in the literature in individuals affected with SGSH-related conditions. ClinVar contains an entry for this variant (Variation ID: 1412033). Advanced modeling of protein sequence and biophysical properties (such as structural, functional, and spatial information, amino acid conservation, physicochemical variation, residue mobility, and thermodynamic stability) performed at Invitae indicates that this missense variant is expected to disrupt SGSH protein function. In summary, the available evidence is currently insufficient to determine the role of this variant in disease. Therefore, it has been classified as a Variant of Uncertain Significance.